The following is an entry in ClinVar:

ClinVar aggregate classification (germline): Uncertain significance (1 of 4 stars; one submission).

Allele frequency attached by ClinVar (database versions not stated): gnomAD exomes below 0.00001.
gnomAD v4.1: 1 of 1,593,442 alleles (0.000063%); highest among the groups gnomAD compares: Non-Finnish European, 0.000086%; no homozygotes.

Submission:

GeneDx
Classification: Uncertain significance. Last evaluated: 2021-10-28. Review status: criteria provided, single submitter. Criteria: GeneDx Variant Classification Process June 2021. Collection method: clinical testing. Allele origin: germline. Affected: yes.
Comment: Not observed at significant frequency in large population cohorts (gnomAD); In silico analysis supports that this missense variant has a deleterious effect on protein structure/function; Has not been previously published as pathogenic or benign to our knowledge

NM_004523.4(KIF11):c.265A>T (p.Ile89Phe)

Gene: KIF11 (kinesin family member 11; plus strand). Cytogenetic location: 10q23.33.
Variant type: single nucleotide variant.
Coding change: c.265A>T on transcript NM_004523.4 (MANE Select); coding-DNA position 265, A replaced by T.
Protein change: p.Ile89Phe; replaces isoleucine 89 with phenylalanine.
Molecular consequence: missense variant.
Genome position (GRCh38, 1-based): chr10:92,606,673, A>T. VCF-style: chr10-92606673-A-T. GRCh37 (hg19) VCF-style: chr10-94366430-A-T.
Other names: short protein forms I89F.
Identifiers: ClinVar variation 1683885 (VCV001683885.2), dbSNP rs1844434272, ClinGen allele CA377588541.